The following is an entry in ClinVar:

NM_003098.3(SNTA1):c.1426-50G>A

Gene: SNTA1 (syntrophin alpha 1; minus strand). Cytogenetic location: 20q11.21.
Variant type: single nucleotide variant.
Coding change: c.1426-50G>A on transcript NM_003098.3 (MANE Select); 50 bases into the intron before coding-DNA position 1426, G replaced by A.
Molecular consequence: intron variant.
Genome position (GRCh38, 1-based): chr20:33,408,649, C>T on the plus strand (G>A on the coding strand, the complement: SNTA1 is on the minus strand). VCF-style: chr20-33408649-C-T. GRCh37 (hg19) VCF-style: chr20-31996455-C-T.
Identifiers: ClinVar variation 675231 (VCV000675231.2), dbSNP rs77750269, ClinGen allele CA9816950.

ClinVar aggregate classification (germline): Benign. Review status: criteria provided, multiple submitters, no conflicts (2 of 4 stars). 2 submissions from 2 submitters: Benign (2). Last evaluated 2018-06-14.

Allele frequency attached by ClinVar (database versions not stated): gnomAD exomes 0.00175 and 0.00426; ExAC 0.00504; gnomAD 0.01614; ESP Exome Variant Server 0.01692; TOPMed 0.01892; 1000 Genomes Project 0.01957; 1000 Genomes Project 30x 0.02186.
gnomAD v4.1: 5,203 of 1,610,134 alleles (0.32%); highest among the groups gnomAD compares: African/African-American, 5.8%; 125 homozygotes.

Submissions (2):

GeneDx
Classification: Benign. Last evaluated: 2018-06-14. Review status: criteria provided, single submitter. Criteria: GeneDx Variant Classification (06012015). Collection method: clinical testing. Allele origin: germline. Affected: yes.
Comment: This variant is considered likely benign or benign based on one or more of the following criteria: it is a conservative change, it occurs at a poorly conserved position in the protein, it is predicted to be benign by multiple in silico algorithms, and/or has population frequency not consistent with disease.

Breakthrough Genomics
Classification: Benign. Review status: criteria provided, single submitter. Criteria: ACMG Guidelines, 2015. Collection method: not provided. Allele origin: germline. Inheritance: Autosomal dominant inheritance. Affected: yes.